The following is an entry in ClinVar:

ClinVar aggregate classification (germline): Uncertain significance. Review status: criteria provided, multiple submitters, no conflicts (2 of 4 stars). 2 submissions from 2 submitters: Uncertain significance (2). Last evaluated 2023-04-21.

Conditions:
Mucopolysaccharidosis, MPS-II (MPS2). Also called: IDS deficiency; Sulfoiduronate sulfatase deficiency; SIDS deficiency; Mucopolysaccharidosis with skin involvement; Attenuated MPS (subtype; formerly known as mild MPS II); Severe MPS II. Identifiers: Orphanet 580, Orphanet 79388, MedGen C0026705, MONDO:0010674, OMIM 309900.

gnomAD v4.1: 3 of 1,209,366 alleles (0.00025%); highest among the groups gnomAD compares: African/African-American, 0.0053%; no homozygotes.

Submissions (2):

Revvity Omics, Revvity
Classification: Uncertain significance for Mucopolysaccharidosis, MPS-II. Last evaluated: 2023-04-21. Review status: criteria provided, single submitter. Criteria: ACMG Guidelines, 2015. Collection method: clinical testing. Allele origin: germline.

Labcorp Genetics (formerly Invitae), Labcorp
Classification: Uncertain significance for Mucopolysaccharidosis, MPS-II. Last evaluated: 2021-10-21. Review status: criteria provided, single submitter. Criteria: Invitae Variant Classification Sherloc (09022015). Collection method: clinical testing. Allele origin: germline.
Comment: This sequence change replaces aspartic acid, which is acidic and polar, with tyrosine, which is neutral and polar, at codon 252 of the IDS protein (p.Asp252Tyr). This variant is present in population databases (rs146458524, gnomAD 0.02%). This variant has not been reported in the literature in individuals affected with IDS-related conditions. Algorithms developed to predict the effect of missense changes on protein structure and function are either unavailable or do not agree on the potential impact of this missense change (SIFT: "Deleterious"; PolyPhen-2: "Possibly Damaging"; Align-GVGD: "Class C15"). In summary, the available evidence is currently insufficient to determine the role of this variant in disease. Therefore, it has been classified as a Variant of Uncertain Significance.

NM_000202.8(IDS):c.754G>T (p.Asp252Tyr)

Genes: IDS (iduronate 2-sulfatase; minus strand), LOC106050102 (IDS recombination region; plus strand). Cytogenetic location: Xq28.
Variant type: single nucleotide variant.
Coding change: c.754G>T on transcript NM_000202.8 (MANE Select); coding-DNA position 754, G replaced by T.
Protein change: p.Asp252Tyr; replaces aspartic acid 252 with tyrosine.
Molecular consequence: missense variant. On other transcripts: non-coding transcript variant (1).
Genome position (GRCh38, 1-based): chrX:149,496,471, C>A on the plus strand (G>T on the coding strand, the complement: IDS is on the minus strand). VCF-style: chrX-149496471-C-A. GRCh37 (hg19) VCF-style: chrX-148578002-C-A.
Other names: c.484G>T, p.Asp162Tyr (NM_001166550.4); c.754G>T, p.Asp252Tyr (NM_006123.5); short protein forms D252Y, D162Y.
Identifiers: ClinVar variation 1361785 (VCV001361785.5), dbSNP rs146458524, ClinGen allele CA10537605.